The following is an entry in ClinVar:

NM_024675.3:c.(1684+1_1685-1)_(2748+1_2749-1)dup

Gene: PALB2 (partner and localizer of BRCA2; minus strand).
Variant type: Duplication.
Identifiers: ClinVar variation 1065553 (VCV001065553.2).

ClinVar aggregate classification (germline): Pathogenic (1 of 4 stars; one submission).

Conditions:
Hereditary cancer-predisposing syndrome. Also called: Hereditary Cancer Syndrome; Hereditary neoplastic syndrome; Neoplastic Syndromes, Hereditary; Tumor predisposition. Identifiers: Orphanet 140162, MedGen C0027672, MeSH D009386, MONDO:0015356.

Submission:

Ambry Genetics
Classification: Pathogenic for Hereditary cancer-predisposing syndrome. Last evaluated: 2019-06-14. Review status: criteria provided, single submitter. Criteria: Ambry Autosomal Dominant and X-Linked criteria (3/2017). Collection method: clinical testing. Allele origin: germline. Observed: 1 variant allele.
Comment: The EX5_7dup gross duplication spans coding exons 5 through 7 in the PALB2 gene. The exact breakpoints of the duplication were not determined; however, additional RNA analysis identified this as a tandem duplication that is predicted to result in a translational frameshift with an alternate stop codon (Ambry internal data). Based on the supporting evidence, this alteration is interpreted as a disease-causing mutation.